The following is an entry in ClinVar:

NM_002485.5(NBN):c.1125-3del

Gene: NBN (nibrin; minus strand). Cytogenetic location: 8q21.3.
Variant type: Deletion.
Coding change: c.1125-3del on transcript NM_002485.5 (MANE Select); 3 bases into the intron before coding-DNA position 1125, one base deleted (C; older notation c.1125-3delC).
Molecular consequence: intron variant.
Genome position (GRCh38, 1-based): chr8:89,955,558, G deleted on the plus strand (C on the coding strand, the reverse complement: NBN is on the minus strand). VCF-style (leftmost placement, unchanged base first): chr8-89955557-TG-T. GRCh37 (hg19) VCF-style: chr8-90967785-TG-T.
Other names: c.879-3del (NM_001024688.3).
Identifiers: ClinVar variation 3222402 (VCV003222402.1), dbSNP rs2488245936, ClinGen allele CA2562156251.
Genomic context (GRCh38, chr8:89,955,557, plus strand): 5'-TTCTGAATTTTTGTTCCATTTTGGAGACTTTGATTTCTTTTGGCCTTTCACTCAAATCCC[TG>T]TAGAAAAAGAAAAGAATGCAAGGTAAATAATCAAGTTTACAGCAACTTTAATAGAGAAAC-3'

ClinVar aggregate classification (germline): Uncertain significance (1 of 4 stars; one submission).

Conditions:
Hereditary cancer-predisposing syndrome. Also called: Tumor predisposition; Hereditary neoplastic syndrome; Hereditary Cancer Syndrome; Neoplastic Syndromes, Hereditary. Identifiers: Orphanet 140162, MedGen C0027672, MeSH D009386, MONDO:0015356.

Allele frequency attached by ClinVar (database versions not stated): gnomAD exomes below 0.00001.

Submission:

Ambry Genetics
Classification: Uncertain significance for Hereditary cancer-predisposing syndrome. Last evaluated: 2023-12-08. Review status: criteria provided, single submitter. Criteria: Ambry Variant Classification Scheme 2023. Collection method: clinical testing. Allele origin: germline.
Comment: The c.1125-3delC intronic variant, located in intron 9 of the NBN gene, results from a deletion of one nucleotide within intron 9 of the NBN gene. This nucleotide position is well conserved in available vertebrate species. In silico splice site analysis predicts that this alteration will not have any significant effect on splicing. Since supporting evidence is limited at this time, the clinical significance of this alteration remains unclear.